The following is an entry in ClinVar:

NM_024757.5(EHMT1):c.2929C>T (p.Gln977Ter)

Gene: EHMT1 (euchromatic histone lysine methyltransferase 1; plus strand). Cytogenetic location: 9q34.3.
Variant type: single nucleotide variant.
Coding change: c.2929C>T on transcript NM_024757.5 (MANE Select); coding-DNA position 2929, C replaced by T.
Protein change: p.Gln977Ter; replaces glutamine 977 with a stop codon.
Molecular consequence: nonsense.
Genome position (GRCh38, 1-based): chr9:137,813,067, C>T. VCF-style: chr9-137813067-C-T. GRCh37 (hg19) VCF-style: chr9-140707519-C-T.
Other names: c.2908C>T, p.Gln970Ter (NM_001354263.2); short protein forms Q970*, Q977*.
Identifiers: ClinVar variation 1285209 (VCV001285209.4), dbSNP rs2137711618, ClinGen allele CA375793388.

ClinVar aggregate classification (germline): Pathogenic. Review status: criteria provided, single submitter (1 of 4 stars). 3 submissions from 3 submitters: Pathogenic (1). 2 of the submissions do not count toward it.

Conditions:
Kleefstra syndrome 1 (KLEFS1). Identifiers: Orphanet 261494, MedGen C0795833, MONDO:0027407, OMIM 610253.

Submissions (3):

Laboratory of Genetics, Children's Clinical University Hospital Latvia
Classification: Pathogenic for Kleefstra syndrome 1. Review status: criteria provided, single submitter. Criteria: ACMG Guidelines, 2015. Collection method: curation. Allele origin: de novo. Affected: yes.
Comment: de novo

Genome Diagnostics Laboratory, University Medical Center Utrecht
Classification: Pathogenic. Review status: no assertion criteria provided. Collection method: clinical testing. Allele origin: germline. Affected: yes. Study: VKGL Data-share Consensus. Not counted in ClinVar's aggregate classification.

Joint Genome Diagnostic Labs from Nijmegen and Maastricht, Radboudumc and MUMC+
Classification: Pathogenic. Review status: no assertion criteria provided. Collection method: clinical testing. Allele origin: germline. Affected: yes. Study: VKGL Data-share Consensus. Not counted in ClinVar's aggregate classification.

Literature cited by the submitters: PubMed 39013458 (cited by Laboratory of Genetics, Children's Clinical University Hospital Latvia).